The following is an entry in ClinVar:

NM_000782.5(CYP24A1):c.1310C>A (p.Pro437His)

Gene: CYP24A1 (cytochrome P450 family 24 subfamily A member 1; minus strand). Cytogenetic location: 20q13.2.
Variant type: single nucleotide variant.
Coding change: c.1310C>A on transcript NM_000782.5 (MANE Select); coding-DNA position 1310, C replaced by A.
Protein change: p.Pro437His; replaces proline 437 with histidine.
Molecular consequence: missense variant. On other transcripts: intron variant (1).
Genome position (GRCh38, 1-based): chr20:54,157,512, G>T on the plus strand (C>A on the coding strand, the complement: CYP24A1 is on the minus strand). VCF-style: chr20-54157512-G-T. GRCh37 (hg19) VCF-style: chr20-52774051-G-T.
Other names: c.1237-223C>A (NM_001128915.2); short protein forms P437H.
Identifiers: ClinVar variation 1333645 (VCV001333645.2), dbSNP rs753140812, ClinGen allele CA9915823.

ClinVar aggregate classification (germline): Uncertain significance (1 of 4 stars; one submission).

Conditions:
Hypercalcemia, infantile, 1 (HCINF1). Identifiers: Orphanet 300547, MedGen CN031131, MONDO:0020739, OMIM 143880.

Allele frequency attached by ClinVar (database versions not stated): TOPMed 0.00001; gnomAD exomes 0.00001 and 0.00002; gnomAD 0.00001; ExAC 0.00002.
gnomAD v4.1: 21 of 1,595,896 alleles (0.0013%); highest among the groups gnomAD compares: East Asian, 0.047%; no homozygotes.

Submission:

3billion
Classification: Uncertain significance for Hypercalcemia, infantile, 1. Last evaluated: 2022-01-03. Review status: criteria provided, single submitter. Criteria: ACMG Guidelines, 2015. Collection method: clinical testing. Allele origin: germline. Affected: yes. Observed: 1 heterozygote.
Comment: Same nucleotide change resulting in same amino acid change has been previously reported to be associated with CYP24A1 related disorder (PMID:30633617, PS1_P). In silico tool predictions suggest damaging effect of the variant on gene or gene product (REVEL: 0.931, 3CNET: 0.866, PP3_P). A missense variant is a common mechanism associated with Hypercalcemia (PP2_P). It is observed at an extremely low frequency in the gnomAD v2.1.1 dataset (total allele frequency: 0.000020, PM2_M). Therefore, this variant is classified as uncertain significance according to the recommendation of ACMG/AMP guideline.

Literature cited by the submitters: PubMed 30633617.